The following is an entry in ClinVar:

ClinVar aggregate classification (germline): Uncertain significance (1 of 4 stars; one submission).

Allele frequency attached by ClinVar (database versions not stated): gnomAD exomes below 0.00001; gnomAD 0.00001; TOPMed 0.00001.
gnomAD v4.1: 5 of 1,614,046 alleles (0.00031%); highest among the groups gnomAD compares: African/African-American, 0.0013%; no homozygotes.

Submission:

Labcorp Genetics (formerly Invitae), Labcorp
Classification: Uncertain significance. Last evaluated: 2021-10-22. Review status: criteria provided, single submitter. Criteria: Invitae Variant Classification Sherloc (09022015). Collection method: clinical testing. Allele origin: germline.
Comment: In summary, the available evidence is currently insufficient to determine the role of this variant in disease. Therefore, it has been classified as a Variant of Uncertain Significance. Algorithms developed to predict the effect of missense changes on protein structure and function are either unavailable or do not agree on the potential impact of this missense change (SIFT: "Deleterious"; PolyPhen-2: "Probably Damaging"; Align-GVGD: "Class C0"). This variant has not been reported in the literature in individuals affected with PRPF8-related conditions. This variant is not present in population databases (ExAC no frequency). This sequence change replaces proline with leucine at codon 1540 of the PRPF8 protein (p.Pro1540Leu). The proline residue is highly conserved and there is a moderate physicochemical difference between proline and leucine.

NM_006445.4(PRPF8):c.4619C>T (p.Pro1540Leu)

Gene: PRPF8 (pre-mRNA processing factor 8; minus strand). Cytogenetic location: 17p13.3.
Variant type: single nucleotide variant.
Coding change: c.4619C>T on transcript NM_006445.4 (MANE Select); coding-DNA position 4619, C replaced by T.
Protein change: p.Pro1540Leu; replaces proline 1540 with leucine.
Molecular consequence: missense variant.
Genome position (GRCh38, 1-based): chr17:1,660,717, G>A on the plus strand (C>T on the coding strand, the complement: PRPF8 is on the minus strand). VCF-style: chr17-1660717-G-A. GRCh37 (hg19) VCF-style: chr17-1564011-G-A.
Other names: short protein forms P1540L.
Identifiers: ClinVar variation 1498481 (VCV001498481.6), dbSNP rs1362834307, ClinGen allele CA397575825.